The following is an entry in ClinVar:

ClinVar aggregate classification (germline): Uncertain significance. Review status: criteria provided, multiple submitters, no conflicts (2 of 4 stars). 2 submissions from 2 submitters: Uncertain significance (2). Last evaluated 2022-11-07.

Conditions:
Inborn genetic diseases. Identifiers: MedGen C0950123, MeSH D030342.

Submissions (2):

Ambry Genetics
Classification: Uncertain significance for Inborn genetic diseases. Last evaluated: 2022-11-07. Review status: criteria provided, single submitter. Criteria: Ambry Variant Classification Scheme 2023. Collection method: clinical testing. Allele origin: germline.

Labcorp Genetics (formerly Invitae), Labcorp
Classification: Uncertain significance. Last evaluated: 2022-01-16. Review status: criteria provided, single submitter. Criteria: Invitae Variant Classification Sherloc (09022015). Collection method: clinical testing. Allele origin: germline.
Comment: This sequence change replaces leucine, which is neutral and non-polar, with proline, which is neutral and non-polar, at codon 1723 of the MYO18B protein (p.Leu1723Pro). This variant is not present in population databases (gnomAD no frequency). This variant has not been reported in the literature in individuals affected with MYO18B-related conditions. Algorithms developed to predict the effect of missense changes on protein structure and function are either unavailable or do not agree on the potential impact of this missense change (SIFT: "Not Available"; PolyPhen-2: "Probably Damaging"; Align-GVGD: "Not Available"). In summary, the available evidence is currently insufficient to determine the role of this variant in disease. Therefore, it has been classified as a Variant of Uncertain Significance.

NM_032608.7(MYO18B):c.5168T>C (p.Leu1723Pro)

Gene: MYO18B (myosin XVIIIB; plus strand). Cytogenetic location: 22q12.1.
Variant type: single nucleotide variant.
Coding change: c.5168T>C on transcript NM_032608.7 (MANE Select); coding-DNA position 5168, T replaced by C.
Protein change: p.Leu1723Pro; replaces leucine 1723 with proline.
Molecular consequence: missense variant.
Genome position (GRCh38, 1-based): chr22:25,908,341, T>C. VCF-style: chr22-25908341-T-C. GRCh37 (hg19) VCF-style: chr22-26304308-T-C.
Other names: c.5171T>C, p.Leu1724Pro (NM_001318245.2); short protein forms L1723P, L1724P.
Identifiers: ClinVar variation 2071179 (VCV002071179.2), dbSNP rs2517891155, ClinGen allele CA411001718.